The following is an entry in ClinVar:

ClinVar aggregate classification (germline): Uncertain significance (1 of 4 stars; one submission).

Conditions:
Bethlem myopathy 2 (BTHLM2). Identifiers: Orphanet 536516, Orphanet 610, MedGen C4225313, MONDO:0034022, OMIM 616471.
Ullrich congenital muscular dystrophy 2 (UCMD2). Identifiers: Orphanet 75840, MedGen C4225314, MONDO:0014654, OMIM 616470.

gnomAD v4.1: 1 of 1,613,604 alleles (0.000062%); highest among the groups gnomAD compares: Non-Finnish European, 0.000085%; no homozygotes.

Submission:

Labcorp Genetics (formerly Invitae), Labcorp
Classification: Uncertain significance for Bethlem myopathy 2; Ullrich congenital muscular dystrophy 2. Last evaluated: 2025-10-03. Review status: criteria provided, single submitter. Criteria: Invitae Variant Classification Sherloc (09022015). Collection method: clinical testing. Allele origin: germline.
Comment: This sequence change replaces isoleucine, which is neutral and non-polar, with valine, which is neutral and non-polar, at codon 1225 of the COL12A1 protein (p.Ile1225Val). This variant is not present in population databases (gnomAD no frequency). This variant has not been reported in the literature in individuals affected with COL12A1-related conditions. Invitae Evidence Modeling of protein sequence and biophysical properties (such as structural, functional, and spatial information, amino acid conservation, physicochemical variation, residue mobility, and thermodynamic stability) indicates that this missense variant is not expected to disrupt COL12A1 protein function with a negative predictive value of 80%. In summary, the available evidence is currently insufficient to determine the role of this variant in disease. Therefore, it has been classified as a Variant of Uncertain Significance.

NM_004370.6(COL12A1):c.3673A>G (p.Ile1225Val)

Gene: COL12A1 (collagen type XII alpha 1 chain; minus strand). Cytogenetic location: 6q13.
Variant type: single nucleotide variant.
Coding change: c.3673A>G on transcript NM_004370.6 (MANE Select); coding-DNA position 3673, A replaced by G.
Protein change: p.Ile1225Val; replaces isoleucine 1225 with valine.
Molecular consequence: missense variant.
Genome position (GRCh38, 1-based): chr6:75,152,375, T>C on the plus strand (A>G on the coding strand, the complement: COL12A1 is on the minus strand). VCF-style: chr6-75152375-T-C. GRCh37 (hg19) VCF-style: chr6-75862091-T-C.
Other names: c.3673A>G, p.Ile1225Val (NM_001424113.1, NM_001424114.1); c.3400A>G, p.Ile1134Val (NM_001424115.1); c.181A>G, p.Ile61Val (NM_001424116.1, NM_080645.3); short protein forms I1134V, I61V, I1225V.
Identifiers: ClinVar variation 4791067 (VCV004791067.1).